The following is an entry in ClinVar:

NM_022124.6(CDH23):c.6286G>A (p.Glu2096Lys)

Gene: CDH23 (cadherin related 23; plus strand). Cytogenetic location: 10q22.1.
Variant type: single nucleotide variant.
Coding change: c.6286G>A on transcript NM_022124.6 (MANE Select); coding-DNA position 6286, G replaced by A.
Protein change: p.Glu2096Lys; replaces glutamic acid 2096 with lysine.
Molecular consequence: missense variant.
Genome position (GRCh38, 1-based): chr10:71,793,214, G>A. VCF-style: chr10-71793214-G-A. GRCh37 (hg19) VCF-style: chr10-73552971-G-A.
Other names: short protein forms E2096K.
Identifiers: ClinVar variation 1057588 (VCV001057588.2), dbSNP rs756989646, ClinGen allele CA5546049.
Genomic context (GRCh38, chr10:71,793,214, plus strand): 5'-CAGCTACTCCCTTTTCCCTCTCCAACAGGATTCTCAGTCCTTCAAGTCACAGCCACAGAT[G>A]AGGACAGTGGCCTCAATGGGGAGCTGGTCTACCGAATAGAAGCTGGGGCTCAGGACCGCT-3'
Protein context (NP_071407.4, residues 2086-2106): FSVLQVTATD[Glu2096Lys]DSGLNGELVY

ClinVar aggregate classification (germline): Uncertain significance (1 of 4 stars; one submission).

Allele frequency attached by ClinVar (database versions not stated): TOPMed below 0.00001; ExAC 0.00001; gnomAD exomes below 0.00001.
gnomAD v4.1: 2 of 1,613,652 alleles (0.00012%); highest among the groups gnomAD compares: South Asian, 0.0011%; no homozygotes.

Submission:

Labcorp Genetics (formerly Invitae), Labcorp
Classification: Uncertain significance. Last evaluated: 2021-09-01. Review status: criteria provided, single submitter. Criteria: Invitae Variant Classification Sherloc (09022015). Collection method: clinical testing. Allele origin: germline.
Comment: This sequence change replaces glutamic acid with lysine at codon 2096 of the CDH23 protein (p.Glu2096Lys). The glutamic acid residue is moderately conserved and there is a small physicochemical difference between glutamic acid and lysine. This variant is present in population databases (rs756989646, ExAC 0.007%). This variant has not been reported in the literature in individuals affected with CDH23-related conditions. Algorithms developed to predict the effect of missense changes on protein structure and function output the following: SIFT: "Tolerated"; PolyPhen-2: "Not Available"; Align-GVGD: "Class C0". The lysine amino acid residue is found in multiple mammalian species, which suggests that this missense change does not adversely affect protein function. In summary, the available evidence is currently insufficient to determine the role of this variant in disease. Therefore, it has been classified as a Variant of Uncertain Significance.